The following is an entry in ClinVar:

ClinVar aggregate classification (germline): Pathogenic/Likely pathogenic. Review status: criteria provided, multiple submitters, no conflicts (2 of 4 stars). 5 submissions from 5 submitters: Pathogenic (2); Likely pathogenic (2). 1 of the submissions does not count toward it. Last evaluated 2024-11-07.

Conditions:
OTOG-related disorder. Also called: OTOG-related condition.
Rare genetic deafness. Identifiers: Orphanet 96210, MedGen C5680250.
Autosomal recessive nonsyndromic hearing loss 18B. Also called: Deafness, autosomal recessive 18b. Identifiers: Orphanet 90636, MedGen C3554163, MONDO:0013985, OMIM 614945.

Submissions (5):

Blueprint Genetics
Classification: Pathogenic for OTOG-related disorders. Last evaluated: 2024-11-07. Review status: criteria provided, single submitter. Criteria: ACMG Guidelines, 2015. Collection method: clinical testing. Allele origin: germline. Affected: yes. Observed: 5 variant alleles.

PreventionGenetics, part of Exact Sciences
Classification: Pathogenic for OTOG-related condition. Last evaluated: 2022-11-15. Review status: criteria provided, single submitter. Criteria: ACMG Guidelines, 2015. Collection method: clinical testing. Allele origin: germline.
Comment: The OTOG c.7389dupA variant is predicted to result in a frameshift and premature protein termination (p.Ala2464Serfs*18). This variant was reported in the homozygous state in two patients from the same family with sensorineural hearing loss (Cruz Marino et al 2022. PubMed ID: 34387732). This variant is reported in 0.017% of alleles in individuals of European (Non-Finnish) descent in gnomAD. Frameshift variants in OTOG are expected to be pathogenic. This variant is interpreted as pathogenic.

GeneDx
Classification: Likely pathogenic. Last evaluated: 2021-06-17. Review status: criteria provided, single submitter. Criteria: GeneDx Variant Classification Process June 2021. Collection method: clinical testing. Allele origin: germline. Affected: yes.
Comment: Frameshift variant predicted to result in protein truncation or nonsense mediated decay in a gene for which loss-of-function is a known mechanism of disease; Has not been previously published as pathogenic or benign to our knowledge; This variant is associated with the following publications: (PMID: 27535533)

Laboratory for Molecular Medicine, Mass General Brigham Personalized Medicine
Classification: Likely pathogenic for Rare genetic deafness. Last evaluated: 2016-06-21. Review status: criteria provided, single submitter. Criteria: LMM Criteria. Collection method: clinical testing. Allele origin: germline. Observed: 1 variant allele.
Comment: The p.Ala2464fs variant in OTOG has not been previously reported in individuals with hearing loss or in large population studies, though the ability of these st udies to detect insertions or deletions accurately may be limited. This variant is predicted to cause a frameshift, which creates a premature termination codon at position 18 and is predicted to lead to a truncated or absent protein. This a lteration is then predicted to lead to a truncated or absent protein. Two loss o f function variants in the OTOG gene have been reported to segregate with hearin g loss in two families (Schraders 2012), and disruption of Otog in mice resulted in deafness supporting of a loss-of-function mechanism for the disease (Simmler 2000). In summary, although additional evidence is required to strengthen the g ene-disease association between OTOG and hearing loss, currently available data support that the p.Ala2464SerfsX18 variant is likely pathogenic.

Service de Biologie Medicale, CIUSSS du Saguenay-Lac-Saint-Jean
Classification: Pathogenic for Autosomal recessive nonsyndromic hearing loss 18B. Last evaluated: 2021-06-02. Review status: no assertion criteria provided. Collection method: clinical testing. Allele origin: inherited. Affected: yes. Observed: 2 variant alleles. Not counted in ClinVar's aggregate classification.
Comment: Observed in the homozygous state in two siblings from the same non-consanguinous family.

Literature cited by the submitters: DOI 10.1007/s00439-021-02332-w (cited by Service de Biologie Medicale, CIUSSS du Saguenay-Lac-Saint-Jean).

NM_001292063.2(OTOG):c.7353dup (p.Ala2452fs)

Gene: OTOG (otogelin; plus strand). Cytogenetic location: 11p15.1.
Variant type: Duplication.
Coding change: c.7353dup on transcript NM_001292063.2 (MANE Select); coding-DNA position 7353, one base duplicated (A; older notation c.7353dupA).
Protein change: p.Ala2452fs; shifts the reading frame from alanine 2452.
Molecular consequence: frameshift variant.
Genome position (GRCh38, 1-based): chr11:17,634,154, A duplicated; the last of 2 consecutive A bases (chr11:17,634,153-17,634,154); duplicating either gives the same sequence. VCF-style (leftmost placement, unchanged base first): chr11-17634152-C-CA. GRCh37 (hg19) VCF-style: chr11-17655699-C-CA.
Other names: NM_001277269.1:c.7389dupA; p.Ala2464SerfsX18; c.7389_7390insA (NM_001277269.1); c.7389dup, p.Ala2464fs (NM_001277269.2); short protein forms A2464fs, A2452fs.
Identifiers: ClinVar variation 505170 (VCV000505170.12), dbSNP rs1157646266, ClinGen allele CA597905144.